The following is an entry in ClinVar:

NM_001377142.1(PLCB4):c.*230G>C

Gene: PLCB4 (phospholipase C beta 4; plus strand). Cytogenetic location: 20p12.2.
Variant type: single nucleotide variant.
Coding change: c.*230G>C on transcript NM_001377142.1 (MANE Select); 230 bases downstream of the stop codon, G replaced by C.
Molecular consequence: 3 prime UTR variant.
Genome position (GRCh38, 1-based): chr20:9,479,239, G>C. VCF-style: chr20-9479239-G-C. GRCh37 (hg19) VCF-style: chr20-9459886-G-C.
Other names: c.*230G>C (NM_000933.4, NM_001377134.2, NM_001377135.1 and 1 more transcripts); c.*250G>C (NM_001172646.2, NM_001377136.1, NM_182797.3).
Identifiers: ClinVar variation 339599 (VCV000339599.5), dbSNP rs149256309, ClinGen allele CA10644485.

ClinVar aggregate classification (germline): Benign (1 of 4 stars; one submission).

Conditions:
Auriculocondylar syndrome 2 (ARCND2A). Also called: AURICULOCONDYLAR SYNDROME 2A. Identifiers: Orphanet 137888, MedGen C3553404, MONDO:0013845, OMIM 614669.

Allele frequency attached by ClinVar (database versions not stated): gnomAD exomes 0.00058; 1000 Genomes Project 0.00419; 1000 Genomes Project 30x 0.00437; gnomAD 0.00506; TOPMed 0.00554.
gnomAD v4.1: 953 of 539,172 alleles (0.18%); highest among the groups gnomAD compares: African/African-American, 1.6%; 7 homozygotes.

Submission:

Illumina Laboratory Services, Illumina
Classification: Benign for Auriculocondylar syndrome 2. Last evaluated: 2018-01-13. Review status: criteria provided, single submitter. Criteria: ICSL Variant Classification Criteria 13 December 2019. Collection method: clinical testing. Allele origin: germline.
Comment: This variant was observed in the ICSL laboratory as part of a predisposition screen in an ostensibly healthy population. It had not been previously curated by ICSL or reported in the Human Gene Mutation Database (HGMD: prior to June 1st, 2018), and was therefore a candidate for classification through an automated scoring system. Utilizing variant allele frequency, disease prevalence and penetrance estimates, and inheritance mode, an automated score was calculated to assess if this variant is too frequent to cause the disease. Based on the score and internal cut-off values, a variant classified as benign is not then subjected to further curation. The score for this variant resulted in a classification of benign for this disease.